The following is an entry in ClinVar:

NM_002485.5(NBN):c.536A>T (p.Glu179Val)

Gene: NBN (nibrin; minus strand). Cytogenetic location: 8q21.3.
Variant type: single nucleotide variant.
Coding change: c.536A>T on transcript NM_002485.5 (MANE Select); coding-DNA position 536, A replaced by T.
Protein change: p.Glu179Val; replaces glutamic acid 179 with valine.
Molecular consequence: missense variant.
Genome position (GRCh38, 1-based): chr8:89,978,268, T>A on the plus strand (A>T on the coding strand, the complement: NBN is on the minus strand). VCF-style: chr8-89978268-T-A. GRCh37 (hg19) VCF-style: chr8-90990496-T-A.
Other names: c.290A>T, p.Glu97Val (NM_001024688.3); short protein forms E179V, E97V.
Identifiers: ClinVar variation 220554 (VCV000220554.27), dbSNP rs864622578, ClinGen allele CA350524.

ClinVar aggregate classification (germline): Uncertain significance. Review status: criteria provided, multiple submitters, no conflicts (2 of 4 stars). 6 submissions from 6 submitters: Uncertain significance (5). 1 of the submissions does not count toward it. Last evaluated 2025-11-10.

Conditions:
Hereditary cancer-predisposing syndrome. Also called: Tumor predisposition; Hereditary neoplastic syndrome; Neoplastic Syndromes, Hereditary; Hereditary Cancer Syndrome. Identifiers: Orphanet 140162, MedGen C0027672, MeSH D009386, MONDO:0015356.
Aplastic anemia. Identifiers: Orphanet 182040, Orphanet 88, MedGen C0002874, MONDO:0015909, OMIM 609135, HP:0001915.
Microcephaly, normal intelligence and immunodeficiency (NBS). Also called: Immunodeficiency, microcephaly with normal intelligence; BERLIN BREAKAGE SYNDROME; IMMUNODEFICIENCY, MICROCEPHALY, AND CHROMOSOMAL INSTABILITY; SEEMANOVA SYNDROME II; Ataxia telangiectasia variant V1; Nijmegen breakage syndrome. Identifiers: Orphanet 647, MedGen C0398791, MONDO:0009623, OMIM 251260.

Allele frequency attached by ClinVar (database versions not stated): gnomAD exomes 0.00001; TOPMed 0.00001.
gnomAD v4.1: 20 of 1,603,096 alleles (0.0012%); highest among the groups gnomAD compares: Non-Finnish European, 0.0016%; no homozygotes.

Submissions (6):

Labcorp Genetics (formerly Invitae), Labcorp
Classification: Uncertain significance for Microcephaly, normal intelligence and immunodeficiency. Last evaluated: 2025-11-10. Review status: criteria provided, single submitter. Criteria: Invitae Variant Classification Sherloc (09022015). Collection method: clinical testing. Allele origin: germline.
Comment: This sequence change replaces glutamic acid, which is acidic and polar, with valine, which is neutral and non-polar, at codon 179 of the NBN protein (p.Glu179Val). This variant is not present in population databases (gnomAD no frequency). This missense change has been observed in individual(s) with ovarian cancer (PMID: 26315354). ClinVar contains an entry for this variant (Variation ID: 220554). An algorithm developed to predict the effect of missense changes on protein structure and function (PolyPhen-2) suggests that this variant is likely to be disruptive. In summary, the available evidence is currently insufficient to determine the role of this variant in disease. Therefore, it has been classified as a Variant of Uncertain Significance.

Baylor Genetics
Classification: Uncertain significance for Aplastic anemia. Last evaluated: 2023-12-30. Review status: criteria provided, single submitter. Criteria: ACMG Guidelines, 2015. Collection method: clinical testing. Allele origin: unknown.

Ambry Genetics
Classification: Uncertain significance for Hereditary cancer-predisposing syndrome. Last evaluated: 2023-07-01. Review status: criteria provided, single submitter. Criteria: Ambry Variant Classification Scheme 2023. Collection method: clinical testing. Allele origin: germline.
Comment: The p.E179V variant (also known as c.536A>T), located in coding exon 5 of the NBN gene, results from an A to T substitution at nucleotide position 536. The glutamic acid at codon 179 is replaced by valine, an amino acid with dissimilar properties. In one study, this variant was identified in 1/3236 patients with invasive epithelial ovarian cancer and 0/3431 controls (Ramus SJ et al. J. Natl. Cancer Inst. 2015 Nov; 107(11)). This variant was reported in 1/60,466 breast cancer cases and in 2/53,461 controls (Dorling et al. N Engl J Med. 2021 02;384:428-439). This amino acid position is highly conserved in available vertebrate species. In addition, this alteration is predicted to be deleterious by in silico analysis. Since supporting evidence is limited at this time, the clinical significance of this alteration remains unclear.

GeneDx
Classification: Uncertain significance. Last evaluated: 2021-12-15. Review status: criteria provided, single submitter. Criteria: GeneDx Variant Classification Process June 2021. Collection method: clinical testing. Allele origin: germline. Affected: yes.
Comment: Not observed at significant frequency in large population cohorts (Lek 2016); In silico analysis supports that this missense variant has a deleterious effect on protein structure/function; Observed in an individual with ovarian cancer (Ramus 2015); This variant is associated with the following publications: (PMID: 24894818, 26315354)

Genome-Nilou Lab
Classification: Uncertain significance for Microcephaly, normal intelligence and immunodeficiency. Last evaluated: 2021-11-07. Review status: criteria provided, single submitter. Criteria: ACMG Guidelines, 2015. Collection method: clinical testing. Allele origin: germline. Affected: no.

Natera, Inc.
Classification: Uncertain significance for Nijmegen breakage syndrome. Last evaluated: 2021-02-09. Review status: no assertion criteria provided. Collection method: clinical testing. Allele origin: germline. Not counted in ClinVar's aggregate classification.

Literature cited by the submitters: PubMed 26315354 (cited by Labcorp Genetics (formerly Invitae), Labcorp and Ambry Genetics); PubMed 33471991 (cited by Ambry Genetics).